The following is an entry in ClinVar:

NM_138638.5(CFL2):c.38A>G (p.Lys13Arg)

Gene: CFL2 (cofilin 2; minus strand). Cytogenetic location: 14q13.1.
Variant type: single nucleotide variant.
Coding change: c.38A>G on transcript NM_138638.5 (MANE Select); coding-DNA position 38, A replaced by G.
Protein change: p.Lys13Arg; replaces lysine 13 with arginine.
Molecular consequence: missense variant. On other transcripts: 5 prime UTR variant (1), non-coding transcript variant (2).
Genome position (GRCh38, 1-based): chr14:34,713,527, T>C on the plus strand (A>G on the coding strand, the complement: CFL2 is on the minus strand). VCF-style: chr14-34713527-T-C. GRCh37 (hg19) VCF-style: chr14-35182733-T-C.
Other names: c.-14A>G (NM_001243645.2); c.38A>G, p.Lys13Arg (NM_021914.8); short protein forms K13R.
Identifiers: ClinVar variation 3656838 (VCV003656838.2).

ClinVar aggregate classification (germline): Uncertain significance (1 of 4 stars; one submission).

Conditions:
Nemaline myopathy 7 (NEM7). Also called: Nemaline myopathy 7, autosomal recessive. Identifiers: Orphanet 171436, MedGen C1853154, MONDO:0012538, OMIM 610687.

gnomAD v4.1: 1 of 1,614,070 alleles (0.000062%); highest among the groups gnomAD compares: Non-Finnish European, 0.000085%; no homozygotes.

Submission:

Labcorp Genetics (formerly Invitae), Labcorp
Classification: Uncertain significance for Nemaline myopathy 7. Last evaluated: 2024-11-16. Review status: criteria provided, single submitter. Criteria: Invitae Variant Classification Sherloc (09022015). Collection method: clinical testing. Allele origin: germline.
Comment: This sequence change replaces lysine, which is basic and polar, with arginine, which is basic and polar, at codon 13 of the CFL2 protein (p.Lys13Arg). This variant is not present in population databases (gnomAD no frequency). This variant has not been reported in the literature in individuals affected with CFL2-related conditions. An algorithm developed to predict the effect of missense changes on protein structure and function (PolyPhen-2) suggests that this variant is likely to be tolerated. In summary, the available evidence is currently insufficient to determine the role of this variant in disease. Therefore, it has been classified as a Variant of Uncertain Significance.